The following is an entry in ClinVar:

ClinVar aggregate classification (germline): Likely pathogenic (1 of 4 stars; one submission).

Conditions:
Rhizomelic chondrodysplasia punctata type 1 (RCDP1). Also called: PEROXISOME BIOGENESIS DISORDER 9; CHONDRODYSTROPHIA CALCIFICANS PUNCTATA; PEX7-Related Rhizomelic Chondrodysplasia Punctata. Identifiers: Orphanet 177, Orphanet 309789, MedGen C1859133, MONDO:0008972, OMIM 215100. Disease mechanism: loss of function.

Submission:

Myriad Genetics, Inc.
Classification: Likely pathogenic for Rhizomelic chondrodysplasia punctata type 1. Last evaluated: 2022-01-02. Review status: criteria provided, single submitter. Criteria: Myriad Women's Health Autosomal Recessive and X-Linked Classification Criteria (2021). Collection method: clinical testing. Allele origin: unknown.
Comment: NM_000288.3(PEX7):c.622A>T(K208*) is expected to be pathogenic in the context of rhizomelic chondrodysplasia punctata type 1. This variant is predicted to lead to an abnormal or absent protein product due to the creation of a premature termination codon in PEX7, a gene where loss-of-function variants are known to be pathogenic. Please note: this variant was assessed in the context of healthy population screening.

NM_000288.4(PEX7):c.622A>T (p.Lys208Ter)

Gene: PEX7 (peroxisomal biogenesis factor 7; plus strand). Cytogenetic location: 6q23.3.
Variant type: single nucleotide variant.
Coding change: c.622A>T on transcript NM_000288.4 (MANE Select); coding-DNA position 622, A replaced by T.
Protein change: p.Lys208Ter; replaces lysine 208 with a stop codon.
Molecular consequence: nonsense.
Genome position (GRCh38, 1-based): chr6:136,866,722, A>T. VCF-style: chr6-136866722-A-T. GRCh37 (hg19) VCF-style: chr6-137187860-A-T.
Other names: c.508A>T, p.Lys170Ter (NM_001410945.1); short protein forms K170*, K208*.
Identifiers: ClinVar variation 1723913 (VCV001723913.2), dbSNP rs1478244495, ClinGen allele CA365763181.